The following is an entry in ClinVar:

ClinVar aggregate classification (germline): Uncertain significance (1 of 4 stars; one submission).

Conditions:
Cardiovascular phenotype. Identifiers: MedGen CN230736.

Submission:

Ambry Genetics
Classification: Uncertain significance for Cardiovascular phenotype. Last evaluated: 2025-09-25. Review status: criteria provided, single submitter. Criteria: Ambry Variant Classification Scheme 2023. Collection method: clinical testing. Allele origin: germline.
Comment: The p.T100S variant (also known as c.299C>G), located in coding exon 1 of the GATA4 gene, results from a C to G substitution at nucleotide position 299. The threonine at codon 100 is replaced by serine, an amino acid with similar properties. This amino acid position is conserved. In addition, the in silico prediction for this alteration is inconclusive. Based on the available evidence, the clinical significance of this variant remains unclear.

NM_001308093.3(GATA4):c.299C>G (p.Thr100Ser)

Gene: GATA4 (GATA binding protein 4). Cytogenetic location: 8p23.1.
Variant type: single nucleotide variant.
Coding change: c.299C>G on transcript NM_001308093.3 (MANE Select); coding-DNA position 299, C replaced by G.
Protein change: p.Thr100Ser; replaces threonine 100 with serine.
Molecular consequence: missense variant. On other transcripts: intron variant (3).
Genome position (GRCh38, 1-based): chr8:11,708,611, C>G. VCF-style: chr8-11708611-C-G. GRCh37 (hg19) VCF-style: chr8-11566120-C-G.
Other names: c.299C>G, p.Thr100Ser (NM_002052.5); c.-6+7833C>G (NM_001308094.2); c.-3+597C>G (NM_001374274.1); c.-3+4307C>G (NM_001374273.1); short protein forms T100S.
Identifiers: ClinVar variation 4614231 (VCV004614231.1).